The following is an entry in ClinVar:

NM_001040108.2(MLH3):c.3346G>A (p.Ala1116Thr)

Gene: MLH3 (mutL homolog 3; minus strand). Cytogenetic location: 14q24.3.
Variant type: single nucleotide variant.
Coding change: c.3346G>A on transcript NM_001040108.2 (MANE Select); coding-DNA position 3346, G replaced by A.
Protein change: p.Ala1116Thr; replaces alanine 1116 with threonine.
Molecular consequence: missense variant.
Genome position (GRCh38, 1-based): chr14:75,042,412, C>T on the plus strand (G>A on the coding strand, the complement: MLH3 is on the minus strand). VCF-style: chr14-75042412-C-T. GRCh37 (hg19) VCF-style: chr14-75509115-C-T.
Other names: c.3346G>A, p.Ala1116Thr (NM_014381.3); short protein forms A1116T.
Identifiers: ClinVar variation 3295114 (VCV003295114.1).

ClinVar aggregate classification (germline): Uncertain significance (1 of 4 stars; one submission).

Submission:

Ambry Genetics
Classification: Uncertain significance. Last evaluated: 2024-04-20. Review status: criteria provided, single submitter. Criteria: Ambry Variant Classification Scheme 2023. Collection method: clinical testing. Allele origin: germline.
Comment: The p.A1116T variant (also known as c.3346G>A), located in coding exon 2 of the MLH3 gene, results from a G to A substitution at nucleotide position 3346. The alanine at codon 1116 is replaced by threonine, an amino acid with similar properties. This amino acid position is conserved. In addition, this alteration is predicted to be tolerated by in silico analysis. Based on the available evidence, the clinical significance of this variant remains unclear.